The following is an entry in ClinVar:

NM_003052.5(SLC34A1):c.1544C>T (p.Ala515Val)

Gene: SLC34A1 (solute carrier family 34 member 1; plus strand). Cytogenetic location: 5q35.3.
Variant type: single nucleotide variant.
Coding change: c.1544C>T on transcript NM_003052.5 (MANE Select); coding-DNA position 1544, C replaced by T.
Protein change: p.Ala515Val; replaces alanine 515 with valine.
Molecular consequence: missense variant.
Genome position (GRCh38, 1-based): chr5:177,397,910, C>T. VCF-style: chr5-177397910-C-T. GRCh37 (hg19) VCF-style: chr5-176824911-C-T.
Other names: short protein forms A515V.
Identifiers: ClinVar variation 3684607 (VCV003684607.2).

ClinVar aggregate classification (germline): Uncertain significance (1 of 4 stars; one submission).

gnomAD v4.1: 2 of 1,613,968 alleles (0.00012%); highest among the groups gnomAD compares: Non-Finnish European, 0.00017%; no homozygotes.

Submission:

Labcorp Genetics (formerly Invitae), Labcorp
Classification: Uncertain significance. Last evaluated: 2025-06-17. Review status: criteria provided, single submitter. Criteria: Invitae Variant Classification Sherloc (09022015). Collection method: clinical testing. Allele origin: germline.
Comment: This sequence change replaces alanine, which is neutral and non-polar, with valine, which is neutral and non-polar, at codon 515 of the SLC34A1 protein (p.Ala515Val). This variant is not present in population databases (gnomAD no frequency). This variant has not been reported in the literature in individuals affected with SLC34A1-related conditions. ClinVar contains an entry for this variant (Variation ID: 3684607). Invitae Evidence Modeling of protein sequence and biophysical properties (such as structural, functional, and spatial information, amino acid conservation, physicochemical variation, residue mobility, and thermodynamic stability) indicates that this missense variant is not expected to disrupt SLC34A1 protein function with a negative predictive value of 80%. In summary, the available evidence is currently insufficient to determine the role of this variant in disease. Therefore, it has been classified as a Variant of Uncertain Significance.